The following is an entry in ClinVar:

ClinVar aggregate classification (germline): Uncertain significance. Review status: criteria provided, multiple submitters, no conflicts (2 of 4 stars). 2 submissions from 2 submitters: Uncertain significance (2). Last evaluated 2025-07-28.

Allele frequency attached by ClinVar (database versions not stated): gnomAD exomes 0.00002; ExAC 0.00003; gnomAD 0.00003 and 0.00004; TOPMed 0.00004.
gnomAD v4.1: 51 of 1,613,530 alleles (0.0032%); highest among the groups gnomAD compares: South Asian, 0.0077%; no homozygotes.

Submissions (2):

Labcorp Genetics (formerly Invitae), Labcorp
Classification: Uncertain significance. Last evaluated: 2025-07-28. Review status: criteria provided, single submitter. Criteria: Invitae Variant Classification Sherloc (09022015). Collection method: clinical testing. Allele origin: germline.
Comment: This sequence change replaces proline, which is neutral and non-polar, with arginine, which is basic and polar, at codon 301 of the COL10A1 protein (p.Pro301Arg). This variant is present in population databases (rs774396983, gnomAD 0.006%). This variant has not been reported in the literature in individuals affected with COL10A1-related conditions. ClinVar contains an entry for this variant (Variation ID: 1472787). Invitae Evidence Modeling of protein sequence and biophysical properties (such as structural, functional, and spatial information, amino acid conservation, physicochemical variation, residue mobility, and thermodynamic stability) has been performed for this missense variant. However, the output from this modeling did not meet the statistical confidence thresholds required to predict the impact of this variant on COL10A1 protein function. In summary, the available evidence is currently insufficient to determine the role of this variant in disease. Therefore, it has been classified as a Variant of Uncertain Significance.

Women's Health and Genetics/Laboratory Corporation of America, LabCorp
Classification: Uncertain significance. Last evaluated: 2025-05-19. Review status: criteria provided, single submitter. Criteria: LabCorp Variant Classification Summary - May 2015. Collection method: clinical testing. Allele origin: germline.
Comment: Variant summary: COL10A1 c.902C>G (p.Pro301Arg) results in a non-conservative amino acid change in the encoded protein sequence. Algorithms developed to predict the effect of missense changes on protein structure and function all suggest that this variant is likely to be disruptive. The variant allele was found at a frequency of 2.4e-05 in 248230 control chromosomes. The available data on variant occurrences in the general population are insufficient to allow any conclusion about variant significance. To our knowledge, no occurrence of c.902C>G in individuals affected with Metaphyseal Chondrodysplasia, Schmid Type and no experimental evidence demonstrating its impact on protein function have been reported. ClinVar contains an entry for this variant (Variation ID: 1472787). Based on the evidence outlined above, the variant was classified as uncertain significance.

NM_000493.4(COL10A1):c.902C>G (p.Pro301Arg)

Genes: NT5DC1 (5'-nucleotidase domain containing 1; plus strand), COL10A1 (collagen type X alpha 1 chain; minus strand). Cytogenetic location: 6q22.1.
Variant type: single nucleotide variant.
Coding change: c.902C>G on transcript NM_000493.4 (MANE Select); coding-DNA position 902, C replaced by G.
Protein change: p.Pro301Arg; replaces proline 301 with arginine.
Molecular consequence: missense variant. On other transcripts: intron variant (1).
Genome position (GRCh38, 1-based): chr6:116,121,214, G>C on the plus strand (C>G on the coding strand, the complement: COL10A1 is on the minus strand). VCF-style: chr6-116121214-G-C. GRCh37 (hg19) VCF-style: chr6-116442377-G-C.
Other names: c.902C>G, p.Pro301Arg (NM_001424106.1, NM_001424107.1); c.529+3269G>C (NM_152729.3); short protein forms P301R.
Identifiers: ClinVar variation 1472787 (VCV001472787.9), dbSNP rs774396983, ClinGen allele CA3968300.